The following is an entry in ClinVar:

ClinVar aggregate classification (germline): Uncertain significance (1 of 4 stars; one submission).

Conditions:
Candidiasis, familial, 9 (CANDF9). Identifiers: Orphanet 1334, MedGen C4225324, MONDO:0014642, OMIM 616445.

Submission:

Labcorp Genetics (formerly Invitae), Labcorp
Classification: Uncertain significance for Candidiasis, familial, 9. Last evaluated: 2025-10-23. Review status: criteria provided, single submitter. Criteria: Invitae Variant Classification Sherloc (09022015). Collection method: clinical testing. Allele origin: germline.
Comment: This sequence change replaces alanine, which is neutral and non-polar, with aspartic acid, which is acidic and polar, at codon 550 of the IL17RC protein (p.Ala550Asp). This variant is not present in population databases (gnomAD no frequency). This variant has not been reported in the literature in individuals affected with IL17RC-related conditions. An algorithm developed to predict the effect of missense changes on protein structure and function (PolyPhen-2) suggests that this variant is likely to be disruptive. In summary, the available evidence is currently insufficient to determine the role of this variant in disease. Therefore, it has been classified as a Variant of Uncertain Significance.

NM_153460.4(IL17RC):c.1436C>A (p.Ala479Asp)

Gene: IL17RC (interleukin 17 receptor C; plus strand). Cytogenetic location: 3p25.3.
Variant type: single nucleotide variant.
Coding change: c.1436C>A on transcript NM_153460.4 (MANE Select); coding-DNA position 1436, C replaced by A.
Protein change: p.Ala479Asp; replaces alanine 479 with aspartic acid.
Molecular consequence: missense variant. On other transcripts: non-coding transcript variant (1).
Genome position (GRCh38, 1-based): chr3:9,932,656, C>A. VCF-style: chr3-9932656-C-A. GRCh37 (hg19) VCF-style: chr3-9974340-C-A.
Other names: c.1436C>A, p.Ala479Asp (NM_001203263.2); c.1385C>A, p.Ala462Asp (NM_001203264.2); c.1340C>A, p.Ala447Asp (NM_001203265.2, NM_001410711.1); c.1397C>A, p.Ala466Asp (NM_001367278.1); c.1316C>A, p.Ala439Asp (NM_001367279.1); c.1391C>A, p.Ala464Asp (NM_001367280.1, NM_032732.6); c.1649C>A, p.Ala550Asp (NM_153461.4); short protein forms A464D, A439D, A466D, A447D, A462D, A479D, A550D.
Identifiers: ClinVar variation 4723708 (VCV004723708.1).
Genomic context (GRCh38, chr3:9,932,656, plus strand): 5'-TGGGTCTCCCAGACATCCACAAGCGCTGGGCCCTCGTGTGGCTGGCCTGCCTACTCTTTG[C>A]CGCTGCGCTTTCCCTCATCCTCCTTCTCAAAAAGGATCACGCGAAAGGTGAGCGCTTCCC-3'
Protein context (NP_703190.2, residues 469-489): ALVWLACLLF[Ala479Asp]AALSLILLLK